The following is an entry in ClinVar:

NM_022124.6(CDH23):c.9810C>G (p.His3270Gln)

Gene: CDH23 (cadherin related 23; plus strand). Cytogenetic location: 10q22.1.
Variant type: single nucleotide variant.
Coding change: c.9810C>G on transcript NM_022124.6 (MANE Select); coding-DNA position 9810, C replaced by G.
Protein change: p.His3270Gln; replaces histidine 3270 with glutamine.
Molecular consequence: missense variant.
Genome position (GRCh38, 1-based): chr10:71,815,023, C>G. VCF-style: chr10-71815023-C-G. GRCh37 (hg19) VCF-style: chr10-73574780-C-G.
Other names: c.3090C>G, p.His1030Gln (NM_001171933.1); c.2985C>G, p.His995Gln (NM_001171934.1); c.501C>G, p.His167Gln (NM_001171935.1); c.396C>G, p.His132Gln (NM_001171936.1); short protein forms H132Q, H167Q, H3270Q, H995Q, H1030Q.
Identifiers: ClinVar variation 1496595 (VCV001496595.3), dbSNP rs1209534205, ClinGen allele CA377138070.

ClinVar aggregate classification (germline): Uncertain significance (1 of 4 stars; one submission).

Allele frequency attached by ClinVar (database versions not stated): gnomAD exomes below 0.00001.
gnomAD v4.1: 1 of 1,612,626 alleles (0.000062%); highest among the groups gnomAD compares: Admixed American, 0.0017%; no homozygotes.

Submission:

Labcorp Genetics (formerly Invitae), Labcorp
Classification: Uncertain significance. Last evaluated: 2022-04-26. Review status: criteria provided, single submitter. Criteria: Invitae Variant Classification Sherloc (09022015). Collection method: clinical testing. Allele origin: germline.
Comment: This sequence change replaces histidine, which is basic and polar, with glutamine, which is neutral and polar, at codon 3270 of the CDH23 protein (p.His3270Gln). The frequency data for this variant in the population databases is considered unreliable, as metrics indicate poor data quality at this position in the gnomAD database. This variant has not been reported in the literature in individuals affected with CDH23-related conditions. Algorithms developed to predict the effect of missense changes on protein structure and function are either unavailable or do not agree on the potential impact of this missense change (SIFT: "Deleterious"; PolyPhen-2: "Not Available"; Align-GVGD: "Class C0"). Algorithms developed to predict the effect of sequence changes on RNA splicing suggest that this variant may create or strengthen a splice site. In summary, the available evidence is currently insufficient to determine the role of this variant in disease. Therefore, it has been classified as a Variant of Uncertain Significance.